The following is an entry in ClinVar:

NM_022124.6(CDH23):c.5363C>T (p.Pro1788Leu)

Gene: CDH23 (cadherin related 23; plus strand). Cytogenetic location: 10q22.1.
Variant type: single nucleotide variant.
Coding change: c.5363C>T on transcript NM_022124.6 (MANE Select); coding-DNA position 5363, C replaced by T.
Protein change: p.Pro1788Leu; replaces proline 1788 with leucine.
Molecular consequence: missense variant.
Genome position (GRCh38, 1-based): chr10:71,779,442, C>T. VCF-style: chr10-71779442-C-T. GRCh37 (hg19) VCF-style: chr10-73539199-C-T.
Other names: short protein forms P1788L.
Identifiers: ClinVar variation 444220 (VCV000444220.49), dbSNP rs564555435, ClinGen allele CA5545717.

ClinVar aggregate classification (germline): Uncertain significance. Review status: criteria provided, multiple submitters, no conflicts (2 of 4 stars). 7 submissions from 7 submitters: Uncertain significance (5). 2 of the submissions do not count toward it. Last evaluated 2024-11-01.

Conditions:
Pituitary adenoma 5, multiple types. Identifiers: MedGen C4539685, MONDO:0054601, OMIM 617540.
Usher syndrome type 1D (USH1D). Also called: USHER SYNDROME, TYPE ID. Identifiers: Orphanet 231169, Orphanet 886, MedGen C1832845, MONDO:0010984, OMIM 601067.
Autosomal recessive nonsyndromic hearing loss 12. Also called: DEAFNESS, AUTOSOMAL RECESSIVE 12. Identifiers: Orphanet 90636, MedGen C1832394, MONDO:0011067, OMIM 601386.
Usher syndrome type 1 (USH1). Also called: RETINITIS PIGMENTOSA AND CONGENITAL DEAFNESS. Identifiers: Orphanet 231169, Orphanet 886, MedGen C1568247, MONDO:0010168, OMIM 276900.

Allele frequency attached by ClinVar (database versions not stated): gnomAD 0.00011 and 0.00013; gnomAD exomes 0.00011; TOPMed 0.00013; 1000 Genomes Project 30x 0.00016; ExAC 0.00017; 1000 Genomes Project 0.00020.
gnomAD v4.1: 182 of 1,600,664 alleles (0.011%); highest among the groups gnomAD compares: Middle Eastern, 0.1%; no homozygotes.

Submissions (7):

Blueprint Genetics
Classification: Uncertain significance. Last evaluated: 2024-11-01. Review status: criteria provided, single submitter. Criteria: ACMG Guidelines, 2015. Collection method: clinical testing. Allele origin: germline.

Women's Health and Genetics/Laboratory Corporation of America, LabCorp
Classification: Uncertain significance. Last evaluated: 2024-10-14. Review status: criteria provided, single submitter. Criteria: LabCorp Variant Classification Summary - May 2015. Collection method: clinical testing. Allele origin: germline.
Comment: Variant summary: CDH23 c.5363C>T (p.Pro1788Leu) results in a non-conservative amino acid change in the encoded protein sequence. Two of four in-silico tools predict a benign effect of the variant on protein function. The variant allele was found at a frequency of 0.00011 in 243976 control chromosomes. This frequency is not significantly higher than estimated for a pathogenic variant in CDH23 causing Usher Syndrome (0.00011 vs 0.0032), allowing no conclusion about variant significance. c.5363C>T has been reported in the literature in individuals affected with Usher Syndrome, hearing loss or inherited retinal dystrophy. These reports do not provide unequivocal conclusions about association of the variant with Usher Syndrome. To our knowledge, no experimental evidence demonstrating an impact on protein function has been reported. The following publications have been ascertained in the context of this evaluation (PMID: 27610647, 38927702, 18429043). ClinVar contains an entry for this variant (Variation ID: 444220). Based on the evidence outlined above, the variant was classified as uncertain significance.

Labcorp Genetics (formerly Invitae), Labcorp
Classification: Uncertain significance. Last evaluated: 2022-11-01. Review status: criteria provided, single submitter. Criteria: Invitae Variant Classification Sherloc (09022015). Collection method: clinical testing. Allele origin: germline.
Comment: This sequence change replaces proline, which is neutral and non-polar, with leucine, which is neutral and non-polar, at codon 1788 of the CDH23 protein (p.Pro1788Leu). This variant is present in population databases (rs564555435, gnomAD 0.02%). This missense change has been observed in individual(s) with Usher syndrome (PMID: 18429043). ClinVar contains an entry for this variant (Variation ID: 444220). Advanced modeling of protein sequence and biophysical properties (such as structural, functional, and spatial information, amino acid conservation, physicochemical variation, residue mobility, and thermodynamic stability) performed at Invitae indicates that this missense variant is not expected to disrupt CDH23 protein function. In summary, the available evidence is currently insufficient to determine the role of this variant in disease. Therefore, it has been classified as a Variant of Uncertain Significance.

Fulgent Genetics
Classification: Uncertain significance for Usher syndrome type 1D; Autosomal recessive nonsyndromic hearing loss 12; Pituitary adenoma 5, multiple types. Last evaluated: 2021-07-26. Review status: criteria provided, single submitter. Criteria: ACMG Guidelines, 2015. Collection method: clinical testing. Allele origin: unknown.

CeGaT Center for Human Genetics Tuebingen
Classification: Uncertain significance. Last evaluated: 2017-06-01. Review status: criteria provided, single submitter. Criteria: CeGaT Center For Human Genetics Tuebingen Variant Classification Criteria Version 2. Collection method: clinical testing. Allele origin: germline. Affected: yes. Observed: 1 variant allele.

Natera, Inc.
Classification: Uncertain significance for Usher syndrome type 1. Last evaluated: 2020-01-30. Review status: no assertion criteria provided. Collection method: clinical testing. Allele origin: germline. Not counted in ClinVar's aggregate classification.

Department of Pathology and Laboratory Medicine, Sinai Health System
Classification: Uncertain significance. Review status: no assertion criteria provided. Collection method: clinical testing. Allele origin: unknown. Affected: yes. Study: The Canadian Open Genetics Repository (COGR). Not counted in ClinVar's aggregate classification.
Comment: The CDH23 p.Pro1788Leu variant was identified in the compound heterozygous state in 1 of 112 proband chromosomes (frequency: 0.00893) from individuals or families with Usher I syndrome and was not identified in 192 control chromosomes from healthy individuals (Oshima_2008_PMID:18429043). The variant was identified in dbSNP (ID: rs564555435), ClinVar (classified as a VUS by CeGaT Praxis fuer Humangenetik Tuebingen) and LOVD 3.0 (classified as a VUS by 2 submitters). The variant was identified in control databases in 29 of 275356 chromosomes at a frequency of 0.000105 (Genome Aggregation Database March 6, 2019, v2.1.1). The variant was observed in the following populations: European (non-Finnish) in 25 of 125208 chromosomes (freq: 0.0002), European (Finnish) in 2 of 24622 chromosomes (freq: 0.000081), African in 1 of 23730 chromosomes (freq: 0.000042) and South Asian in 1 of 30210 chromosomes (freq: 0.000033), but was not observed in the Latino, Ashkenazi Jewish, East Asian or Other populations. The variant occurs outside of the splicing consensus sequence and in silico or computational prediction software programs (SpliceSiteFinder, MaxEntScan, NNSPLICE, GeneSplicer) do not predict a difference in splicing. The p.Pro1788 residue is conserved in mammals and computational analyses (PolyPhen-2, SIFT, AlignGVGD, BLOSUM, MutationTaster) provide inconsistent predictions regarding the impact to the protein; this information is not very predictive of pathogenicity. In summary, based on the above information the clinical significance of this variant cannot be determined with certainty at this time. This variant is classified as a variant of uncertain significance.

Literature cited by the submitters: PubMed 27610647 (cited by Women's Health and Genetics/Laboratory Corporation of America, LabCorp); PubMed 18429043 (cited by Women's Health and Genetics/Laboratory Corporation of America, LabCorp and Labcorp Genetics (formerly Invitae), Labcorp); PubMed 38927702 (cited by Women's Health and Genetics/Laboratory Corporation of America, LabCorp).